The following is an entry in ClinVar:

NM_000130.5(F5):c.3473A>T (p.Glu1158Val)

Gene: F5 (coagulation factor V; minus strand). Cytogenetic location: 1q24.2.
Variant type: single nucleotide variant.
Coding change: c.3473A>T on transcript NM_000130.5 (MANE Select); coding-DNA position 3473, A replaced by T.
Protein change: p.Glu1158Val; replaces glutamic acid 1158 with valine.
Molecular consequence: missense variant.
Genome position (GRCh38, 1-based): chr1:169,541,617, T>A on the plus strand (A>T on the coding strand, the complement: F5 is on the minus strand). VCF-style: chr1-169541617-T-A. GRCh37 (hg19) VCF-style: chr1-169510855-T-A.
Other names: short protein forms E1158V.
Identifiers: ClinVar variation 3714871 (VCV003714871.1).

ClinVar aggregate classification (germline): Uncertain significance (1 of 4 stars; one submission).

Conditions:
Congenital factor V deficiency. Also called: LABILE FACTOR DEFICIENCY; OWREN PARAHEMOPHILIA; PARAHEMOPHILIA; Hereditary factor V deficiency disease. Identifiers: Orphanet 326, MedGen C0015499, MONDO:0009210, OMIM 227400.

gnomAD v4.1: 10 of 1,614,136 alleles (0.00062%); highest among the groups gnomAD compares: Non-Finnish European, 0.00085%; no homozygotes.

Submission:

Labcorp Genetics (formerly Invitae), Labcorp
Classification: Uncertain significance for Congenital factor V deficiency. Last evaluated: 2024-06-26. Review status: criteria provided, single submitter. Criteria: Invitae Variant Classification Sherloc (09022015). Collection method: clinical testing. Allele origin: germline.
Comment: This sequence change replaces glutamic acid, which is acidic and polar, with valine, which is neutral and non-polar, at codon 1158 of the F5 protein (p.Glu1158Val). This variant is present in population databases (rs773601247, gnomAD 0.004%). This variant has not been reported in the literature in individuals affected with F5-related conditions. Advanced modeling of protein sequence and biophysical properties (such as structural, functional, and spatial information, amino acid conservation, physicochemical variation, residue mobility, and thermodynamic stability) performed at Invitae indicates that this missense variant is not expected to disrupt F5 protein function with a negative predictive value of 80%. In summary, the available evidence is currently insufficient to determine the role of this variant in disease. Therefore, it has been classified as a Variant of Uncertain Significance.